The following is an entry in ClinVar:

NM_000217.3(KCNA1):c.1456G>A (p.Val486Ile)

Gene: KCNA1 (potassium voltage-gated channel subfamily A member 1; plus strand). Cytogenetic location: 12p13.32.
Variant type: single nucleotide variant.
Coding change: c.1456G>A on transcript NM_000217.3 (MANE Select); coding-DNA position 1456, G replaced by A.
Protein change: p.Val486Ile; replaces valine 486 with isoleucine.
Molecular consequence: missense variant.
Genome position (GRCh38, 1-based): chr12:4,912,834, G>A. VCF-style: chr12-4912834-G-A. GRCh37 (hg19) VCF-style: chr12-5022000-G-A.
Other names: c.1456G>A (NM_000217.2); short protein forms V486I.
Identifiers: ClinVar variation 1061129 (VCV001061129.8), dbSNP rs766403463, ClinGen allele CA383456826.
Genomic context (GRCh38, chr12:4,912,834, plus strand): 5'-GCCCATTATAGACAGGTCAATATCAGAACTGCCAATTGCACCACTGCTAACCAAAACTGC[G>A]TTAATAAGAGCAAGCTACTGACCGATGTTTAAAAAACAAAGGCAAGCAAACAAAAAAGCC-3'
Protein context (NP_000208.2, residues 476-495): ANCTTANQNC[Val486Ile]NKSKLLTDV

ClinVar aggregate classification (germline): Uncertain significance. Review status: criteria provided, multiple submitters, no conflicts (2 of 4 stars). 2 submissions from 2 submitters: Uncertain significance (2). Last evaluated 2025-06-18.

Conditions:
Inborn genetic diseases. Identifiers: MedGen C0950123, MeSH D030342.
Episodic ataxia type 1 (EA1). Also called: MYOKYMIA WITH PERIODIC ATAXIA; PAROXYSMAL ATAXIA WITH NEUROMYOTONIA, HEREDITARY; ATAXIA, EPISODIC, WITH MYOKYMIA; Episodic ataxia/myokymia syndrome. Identifiers: Orphanet 37612, Orphanet 972, MedGen C1719788, MONDO:0008047, OMIM 160120.

Submissions (2):

Ambry Genetics
Classification: Uncertain significance for Inborn genetic diseases. Last evaluated: 2025-06-18. Review status: criteria provided, single submitter. Criteria: Ambry Variant Classification Scheme 2023. Collection method: clinical testing. Allele origin: germline.

Labcorp Genetics (formerly Invitae), Labcorp
Classification: Uncertain significance for Episodic ataxia type 1. Last evaluated: 2025-06-12. Review status: criteria provided, single submitter. Criteria: Invitae Variant Classification Sherloc (09022015). Collection method: clinical testing. Allele origin: germline.
Comment: This sequence change replaces valine, which is neutral and non-polar, with isoleucine, which is neutral and non-polar, at codon 486 of the KCNA1 protein (p.Val486Ile). This variant is not present in population databases (gnomAD no frequency). This variant has not been reported in the literature in individuals affected with KCNA1-related conditions. ClinVar contains an entry for this variant (Variation ID: 1061129). An algorithm developed to predict the effect of missense changes on protein structure and function outputs the following: PolyPhen-2: "Benign". The isoleucine amino acid residue is found in multiple mammalian species, which suggests that this missense change does not adversely affect protein function. In summary, the available evidence is currently insufficient to determine the role of this variant in disease. Therefore, it has been classified as a Variant of Uncertain Significance.